The following is an entry in ClinVar:

ClinVar aggregate classification (germline): Uncertain significance. Review status: criteria provided, multiple submitters, no conflicts (2 of 4 stars). 2 submissions from 2 submitters: Uncertain significance (2). Last evaluated 2024-07-24.

Allele frequency attached by ClinVar (database versions not stated): gnomAD 0.00001; gnomAD exomes 0.00001; TOPMed 0.00002.
gnomAD v4.1: 9 of 1,613,880 alleles (0.00056%); highest among the groups gnomAD compares: Non-Finnish European, 0.00076%; no homozygotes.

Submissions (2):

Labcorp Genetics (formerly Invitae), Labcorp
Classification: Uncertain significance. Last evaluated: 2024-07-24. Review status: criteria provided, single submitter. Criteria: Invitae Variant Classification Sherloc (09022015). Collection method: clinical testing. Allele origin: germline.
Comment: This sequence change replaces phenylalanine, which is neutral and non-polar, with leucine, which is neutral and non-polar, at codon 371 of the TMC1 protein (p.Phe371Leu). This variant is not present in population databases (gnomAD no frequency). This variant has not been reported in the literature in individuals affected with TMC1-related conditions. ClinVar contains an entry for this variant (Variation ID: 1700829). Advanced modeling of protein sequence and biophysical properties (such as structural, functional, and spatial information, amino acid conservation, physicochemical variation, residue mobility, and thermodynamic stability) performed at Invitae indicates that this missense variant is not expected to disrupt TMC1 protein function with a negative predictive value of 95%. In summary, the available evidence is currently insufficient to determine the role of this variant in disease. Therefore, it has been classified as a Variant of Uncertain Significance.

GeneDx
Classification: Uncertain significance. Last evaluated: 2023-12-01. Review status: criteria provided, single submitter. Criteria: GeneDx Variant Classification Process June 2021. Collection method: clinical testing. Allele origin: germline. Affected: yes.
Comment: Not observed at significant frequency in large population cohorts (gnomAD); In silico analysis supports that this missense variant does not alter protein structure/function; Has not been previously published as pathogenic or benign to our knowledge

NM_138691.3(TMC1):c.1111T>C (p.Phe371Leu)

Gene: TMC1 (transmembrane channel like 1; plus strand). Cytogenetic location: 9q21.13.
Variant type: single nucleotide variant.
Coding change: c.1111T>C on transcript NM_138691.3 (MANE Select); coding-DNA position 1111, T replaced by C.
Protein change: p.Phe371Leu; replaces phenylalanine 371 with leucine.
Molecular consequence: missense variant.
Genome position (GRCh38, 1-based): chr9:72,789,204, T>C. VCF-style: chr9-72789204-T-C. GRCh37 (hg19) VCF-style: chr9-75404120-T-C.
Other names: short protein forms F371L.
Identifiers: ClinVar variation 1700829 (VCV001700829.5), dbSNP rs758739636, ClinGen allele CA193300311.